The following is an entry in ClinVar:

NM_005121.3(MED13):c.3278G>T (p.Cys1093Phe)

Gene: MED13 (mediator complex subunit 13; minus strand). Cytogenetic location: 17q23.2.
Variant type: single nucleotide variant.
Coding change: c.3278G>T on transcript NM_005121.3 (MANE Select); coding-DNA position 3278, G replaced by T.
Protein change: p.Cys1093Phe; replaces cysteine 1093 with phenylalanine.
Molecular consequence: missense variant.
Genome position (GRCh38, 1-based): chr17:61,982,725, C>A on the plus strand (G>T on the coding strand, the complement: MED13 is on the minus strand). VCF-style: chr17-61982725-C-A. GRCh37 (hg19) VCF-style: chr17-60060086-C-A.
Other names: short protein forms C1093F.
Identifiers: ClinVar variation 3124910 (VCV003124910.2), dbSNP rs2509277010, ClinGen allele CA400504863.

ClinVar aggregate classification (germline): Conflicting classifications of pathogenicity. Review status: criteria provided, conflicting classifications (1 of 4 stars). 2 submissions from 2 submitters: Likely pathogenic (1); Uncertain significance (1). Last evaluated 2024-12-16.

Conditions:
Inborn genetic diseases. Identifiers: MedGen C0950123, MeSH D030342.

Submissions (2):

GeneDx
Classification: Uncertain significance. Last evaluated: 2024-12-16. Review status: criteria provided, single submitter. Criteria: GeneDx Variant Classification Process June 2021. Collection method: clinical testing. Allele origin: germline. Affected: yes.
Comment: Not observed at significant frequency in large population cohorts (gnomAD); In silico analysis supports that this missense variant has a deleterious effect on protein structure/function; Has not been previously published as pathogenic or benign to our knowledge

Ambry Genetics
Classification: Likely pathogenic for Inborn genetic diseases. Last evaluated: 2024-03-08. Review status: criteria provided, single submitter. Criteria: Ambry Variant Classification Scheme 2023. Collection method: clinical testing. Allele origin: germline.
Comment: The c.3278G>T (p.C1093F) alteration is located in exon 16 (coding exon 16) of the MED13 gene. This alteration results from a G to T substitution at nucleotide position 3278, causing the cysteine (C) at amino acid position 1093 to be replaced by a phenylalanine (F). This variant was not reported in population-based cohorts in the Genome Aggregation Database (gnomAD). This amino acid position is highly conserved in available vertebrate species. This alteration is predicted to be deleterious by in silico analysis. Based on the available evidence, this alteration is classified as likely pathogenic.